The following is an entry in ClinVar:

ClinVar aggregate classification (germline): Uncertain significance (1 of 4 stars; one submission).

Conditions:
Lipoic acid synthetase deficiency. Also called: HYPERGLYCINEMIA, LACTIC ACIDOSIS, AND SEIZURES. Identifiers: Orphanet 401859, MedGen C3280887, MONDO:0013762, OMIM 614462.

Allele frequency attached by ClinVar (database versions not stated): gnomAD exomes below 0.00001; TOPMed 0.00001.
gnomAD v4.1: 4 of 1,607,260 alleles (0.00025%); highest among the groups gnomAD compares: Admixed American, 0.0017%; no homozygotes.

Submission:

Labcorp Genetics (formerly Invitae), Labcorp
Classification: Uncertain significance for Lipoic acid synthetase deficiency. Last evaluated: 2021-08-26. Review status: criteria provided, single submitter. Criteria: Invitae Variant Classification Sherloc (09022015). Collection method: clinical testing. Allele origin: germline.
Comment: This sequence change replaces threonine with isoleucine at codon 213 of the LIAS protein (p.Thr213Ile). The threonine residue is moderately conserved and there is a moderate physicochemical difference between threonine and isoleucine. This variant is not present in population databases (ExAC no frequency). This variant has not been reported in the literature in individuals affected with LIAS-related conditions. Algorithms developed to predict the effect of missense changes on protein structure and function (SIFT, PolyPhen-2, Align-GVGD) all suggest that this variant is likely to be tolerated. In summary, the available evidence is currently insufficient to determine the role of this variant in disease. Therefore, it has been classified as a Variant of Uncertain Significance.

NM_006859.4(LIAS):c.638C>T (p.Thr213Ile)

Gene: LIAS (lipoic acid synthetase; plus strand). Cytogenetic location: 4p14.
Variant type: single nucleotide variant.
Coding change: c.638C>T on transcript NM_006859.4 (MANE Select); coding-DNA position 638, C replaced by T.
Protein change: p.Thr213Ile; replaces threonine 213 with isoleucine.
Molecular consequence: missense variant. On other transcripts: intron variant (1).
Genome position (GRCh38, 1-based): chr4:39,467,547, C>T. VCF-style: chr4-39467547-C-T. GRCh37 (hg19) VCF-style: chr4-39469167-C-T.
Other names: c.329C>T, p.Thr110Ile (NM_001363700.2); c.638C>T, p.Thr213Ile (NM_194451.3); c.608+2205C>T (NM_001278590.2); short protein forms T110I, T213I.
Identifiers: ClinVar variation 1415414 (VCV001415414.5), dbSNP rs1268712461, ClinGen allele CA356664897.